The following is an entry in ClinVar:

NM_201384.3(PLEC):c.4325C>T (p.Ala1442Val)

Gene: PLEC (plectin; minus strand). Cytogenetic location: 8q24.3.
Variant type: single nucleotide variant.
Coding change: c.4325C>T on transcript NM_201384.3 (MANE Select); coding-DNA position 4325, C replaced by T.
Protein change: p.Ala1442Val; replaces alanine 1442 with valine.
Molecular consequence: missense variant.
Genome position (GRCh38, 1-based): chr8:143,925,604, G>A on the plus strand (C>T on the coding strand, the complement: PLEC is on the minus strand). VCF-style: chr8-143925604-G-A. GRCh37 (hg19) VCF-style: chr8-144999772-G-A.
Other names: p.Ala1469Val; c.4406C>T, p.Ala1469Val (NM_000445.5); c.4283C>T, p.Ala1428Val (NM_201378.4); c.4259C>T, p.Ala1420Val (NM_201379.3); c.4736C>T, p.Ala1579Val (NM_201380.4); c.4229C>T, p.Ala1410Val (NM_201381.3); c.4325C>T, p.Ala1442Val (NM_201382.4); c.4337C>T, p.Ala1446Val (NM_201383.3); and 1 more; short protein forms A1428V, A1442V, A1420V, A1469V, A1410V, A1446V, A1579V.
Identifiers: ClinVar variation 1415688 (VCV001415688.12), dbSNP rs782058696, ClinGen allele CA4926704.

ClinVar aggregate classification (germline): Uncertain significance. Review status: criteria provided, multiple submitters, no conflicts (2 of 4 stars). 4 submissions from 4 submitters: Uncertain significance (4). Last evaluated 2025-11-03.

Conditions:
Epidermolysis bullosa simplex 5B, with muscular dystrophy (EBS5B). Also called: EPIDERMOLYSIS BULLOSA SIMPLEX AND LIMB-GIRDLE MUSCULAR DYSTROPHY; Epidermolysis bullosa simplex with muscular dystrophy. Identifiers: Orphanet 257, MedGen C2931072, MONDO:0009181, OMIM 226670.
Epidermolysis bullosa simplex, Ogna type (EBS5A). Also called: EPIDERMOLYSIS BULLOSA SIMPLEX 5A, OGNA TYPE; Pidermolysis bullosa simplex 5A, Ogna type. Identifiers: Orphanet 79401, MedGen C0432317, MONDO:0007555, OMIM 131950.
Epidermolysis bullosa simplex with nail dystrophy (EBS5D). Identifiers: MedGen C4225309, MONDO:0014661, OMIM 616487.
Autosomal recessive limb-girdle muscular dystrophy type 2Q (LGMDR17). Also called: MUSCULAR DYSTROPHY, LIMB-GIRDLE, AUTOSOMAL RECESSIVE 17. Identifiers: Orphanet 254361, MedGen C3150989, MONDO:0013390, OMIM 613723.
Epidermolysis bullosa simplex 5C, with pyloric atresia (EBS5C). Also called: Epidermolysis bullosa simplex with pyloric atresia; PLEC-Related Epidermolysis Bullosa with Pyloric Atresia; PLEC1-Related Epidermolysis Bullosa with Pyloric Atresia. Identifiers: Orphanet 158684, MedGen C2677349, MONDO:0012807, OMIM 612138.
Inborn genetic diseases. Identifiers: MedGen C0950123, MeSH D030342.

Allele frequency attached by ClinVar (database versions not stated): gnomAD 0.00002 and 0.00003; gnomAD exomes 0.00003; TOPMed 0.00004; ExAC 0.00008.
gnomAD v4.1: 41 of 1,580,536 alleles (0.0026%); highest among the groups gnomAD compares: African/African-American, 0.004%; no homozygotes.

Submissions (4):

Ambry Genetics
Classification: Uncertain significance for Inborn genetic diseases. Last evaluated: 2025-11-03. Review status: criteria provided, single submitter. Criteria: Ambry Variant Classification Scheme 2023. Collection method: clinical testing. Allele origin: germline.

Mayo Clinic Laboratories, Mayo Clinic
Classification: Uncertain significance. Last evaluated: 2024-07-03. Review status: criteria provided, single submitter. Criteria: ACMG Guidelines, 2015. Collection method: clinical testing. Allele origin: germline. Observed: 1 variant allele.
Comment: BP4

GeneDx
Classification: Uncertain significance. Last evaluated: 2023-02-07. Review status: criteria provided, single submitter. Criteria: GeneDx Variant Classification Process June 2021. Collection method: clinical testing. Allele origin: germline. Affected: yes.
Comment: Not observed at significant frequency in large population cohorts (gnomAD); In silico analysis supports that this missense variant does not alter protein structure/function; Has not been previously published as pathogenic or benign to our knowledge

Labcorp Genetics (formerly Invitae), Labcorp
Classification: Uncertain significance for Autosomal recessive limb-girdle muscular dystrophy type 2Q; Epidermolysis bullosa simplex, Ogna type; Epidermolysis bullosa simplex with nail dystrophy; Epidermolysis bullosa simplex 5C, with pyloric atresia; Epidermolysis bullosa simplex 5B, with muscular dystrophy. Last evaluated: 2022-09-19. Review status: criteria provided, single submitter. Criteria: Invitae Variant Classification Sherloc (09022015). Collection method: clinical testing. Allele origin: germline.
Comment: This sequence change replaces alanine, which is neutral and non-polar, with valine, which is neutral and non-polar, at codon 1469 of the PLEC protein (p.Ala1469Val). This variant is present in population databases (rs782058696, gnomAD 0.01%). This variant has not been reported in the literature in individuals affected with PLEC-related conditions. ClinVar contains an entry for this variant (Variation ID: 1415688). Algorithms developed to predict the effect of missense changes on protein structure and function are either unavailable or do not agree on the potential impact of this missense change (SIFT: "Tolerated"; PolyPhen-2: "Not Available"; Align-GVGD: "Class C0"). Algorithms developed to predict the effect of sequence changes on RNA splicing suggest that this variant may create or strengthen a splice site. In summary, the available evidence is currently insufficient to determine the role of this variant in disease. Therefore, it has been classified as a Variant of Uncertain Significance.